The following is an entry in ClinVar:

NM_198525.3(KIF7):c.733G>A (p.Val245Ile)

Gene: KIF7 (kinesin family member 7; minus strand). Cytogenetic location: 15q26.1.
Variant type: single nucleotide variant.
Coding change: c.733G>A on transcript NM_198525.3 (MANE Select); coding-DNA position 733, G replaced by A.
Protein change: p.Val245Ile; replaces valine 245 with isoleucine.
Molecular consequence: missense variant.
Genome position (GRCh38, 1-based): chr15:89,649,164, C>T on the plus strand (G>A on the coding strand, the complement: KIF7 is on the minus strand). VCF-style: chr15-89649164-C-T. GRCh37 (hg19) VCF-style: chr15-90192395-C-T.
Other names: short protein forms V245I.
Identifiers: ClinVar variation 1339122 (VCV001339122.2), dbSNP rs1212811357, ClinGen allele CA393775142.
Genomic context (GRCh38, chr15:89,649,164, plus strand): 5'-TGCTGCCCGTCTTGAGCACCCTCTCTGAGCCCGCCAGGTCCACGAAGTGGAACTTGGAGA[C>T]GAGCAGCTGGCCCGGGGCGGGGCGGGGTAGGCGGCTGGGGGCGCGCCCCCGCTGCTCCAG-3'
Protein context (NP_940927.2, residues 235-255): LPRPAPGQLL[Val245Ile]SKFHFVDLAG

ClinVar aggregate classification (germline): Uncertain significance (1 of 4 stars; one submission).

Conditions:
Short-limb skeletal dysplasia with severe combined immunodeficiency. Also called: SLSD WITH SCID. Identifiers: Orphanet 935, MedGen C1860168, MONDO:0008704, OMIM 200900.

Allele frequency attached by ClinVar (database versions not stated): gnomAD 0.00001.
gnomAD v4.1: 3 of 1,548,020 alleles (0.00019%); highest among the groups gnomAD compares: East Asian, 0.0024%; no homozygotes.

Submission:

Neuberg Centre For Genomic Medicine, NCGM
Classification: Uncertain significance for Short-limb skeletal dysplasia with severe combined immunodeficiency. Review status: criteria provided, single submitter. Criteria: ACMG Guidelines, 2015. Collection method: clinical testing. Allele origin: germline. Affected: yes.
Comment: The missense variant p.V245I in KIF7 (NM_198525.3) has not been reported previously as a pathogenic variant nor as a benign variant, to our knowledge. The p.V245I variant is observed in 1/54,200 (0.0018%) alleles from individuals of European (Non-Finnish) background in gnomAD Exomes and is novel (not in any individuals) in 1000 Genomes. The p.V245I missense variant is predicted to be tolerated by both SIFT or PolyPhen2. The nucleotide c.733 in KIF7 is not conserved according to a GERP++ and PhyloP analysis of 100 vertebrates. For these reasons, this variant has been classified as Uncertain Significance.